The following is an entry in ClinVar:

NM_000548.5(TSC2):c.2194C>T (p.Gln732Ter)

Gene: TSC2 (TSC complex subunit 2; plus strand). Cytogenetic location: 16p13.3.
Variant type: single nucleotide variant.
Coding change: c.2194C>T on transcript NM_000548.5 (MANE Select); coding-DNA position 2194, C replaced by T.
Protein change: p.Gln732Ter; replaces glutamine 732 with a stop codon.
Molecular consequence: nonsense.
Genome position (GRCh38, 1-based): chr16:2,072,337, C>T. VCF-style: chr16-2072337-C-T. GRCh37 (hg19) VCF-style: chr16-2122338-C-T.
Other names: c.2194C>T, p.Gln732Ter (NM_001077183.3, NM_001114382.3, NM_001363528.2 and 3 more transcripts); c.2083C>T, p.Gln695Ter (NM_001318827.2); c.2047C>T, p.Gln683Ter (NM_001318829.2); c.1594C>T, p.Gln532Ter (NM_001318831.2); c.2227C>T, p.Gln743Ter (NM_001318832.2); short protein forms Q732*, Q532*, Q683*, Q695*, Q743*.
Identifiers: ClinVar variation 50118 (VCV000050118.13), dbSNP rs45517216, ClinGen allele CA016897.

ClinVar aggregate classification (germline): Pathogenic. Review status: criteria provided, multiple submitters, no conflicts (2 of 4 stars). 5 submissions from 5 submitters: Pathogenic (4). 1 of the submissions does not count toward it. Last evaluated 2023-03-26.

Conditions:
Hereditary cancer-predisposing syndrome. Also called: Neoplastic Syndromes, Hereditary; Tumor predisposition; Hereditary Cancer Syndrome; Hereditary neoplastic syndrome. Identifiers: Orphanet 140162, MedGen C0027672, MeSH D009386, MONDO:0015356.
Tuberous sclerosis 2 (TSC2). Identifiers: Orphanet 805, MedGen C1860707, MONDO:0013199, OMIM 613254.
Tuberous sclerosis syndrome (TSC). Also called: Tuberous Sclerosis Complex; Tuberous sclerosis. Identifiers: Orphanet 805, MedGen C0041341, MONDO:0001734.

Submissions (5):

Labcorp Genetics (formerly Invitae), Labcorp
Classification: Pathogenic for Tuberous sclerosis 2. Last evaluated: 2023-03-26. Review status: criteria provided, single submitter. Criteria: Invitae Variant Classification Sherloc (09022015). Collection method: clinical testing. Allele origin: germline.
Comment: ClinVar contains an entry for this variant (Variation ID: 50118). For these reasons, this variant has been classified as Pathogenic. This premature translational stop signal has been observed in individual(s) with tuberous sclerosis (PMID: 10533066, 28968464). This sequence change creates a premature translational stop signal (p.Gln732*) in the TSC2 gene. It is expected to result in an absent or disrupted protein product. Loss-of-function variants in TSC2 are known to be pathogenic (PMID: 10205261, 17304050). This variant is not present in population databases (gnomAD no frequency).

Genome-Nilou Lab
Classification: Pathogenic for Tuberous sclerosis 2. Last evaluated: 2021-11-07. Review status: criteria provided, single submitter. Criteria: ACMG Guidelines, 2015. Collection method: clinical testing. Allele origin: germline. Affected: no.

Ambry Genetics
Classification: Pathogenic for Hereditary cancer-predisposing syndrome. Last evaluated: 2018-08-03. Review status: criteria provided, single submitter. Criteria: Ambry Variant Classification Scheme 2023. Collection method: clinical testing. Allele origin: germline.
Comment: The p.Q732* pathogenic mutation (also known as c.2194C>T), located in coding exon 19 of the TSC2 gene, results from a C to T substitution at nucleotide position 2194. This changes the amino acid from a glutamine to a stop codon within coding exon 19. This alteration has been detected in two individuals with features consistent with tuberous sclerosis (TSC) (Mayer K et al. Hum. Mutat., 1999;14:401-11; Rosset C et al. PLoS ONE, 2017 Oct;12:e0185713). This alteration is expected to result in loss of function by premature protein truncation or nonsense-mediated mRNA decay. As such, this alteration is interpreted as a disease-causing mutation.

GeneDx
Classification: Pathogenic. Last evaluated: 2017-03-08. Review status: criteria provided, single submitter. Criteria: GeneDx Variant Classification (06012015). Collection method: clinical testing. Allele origin: germline. Affected: yes.
Comment: The Q732X nonsense variant in the TSC2 gene has been reported multiple times previously in association with TSC (Mayer et al., 1999; TSC2 LOVD). This pathogenic variant is predicted to cause loss of normal protein function either through protein truncation or nonsense-mediated mRNA decay. The Q732X variant is not observed in large population cohorts (Lek et al., 2016; 1000 Genomes Consortium et al., 2015; Exome Variant Server).

Tuberous sclerosis database (TSC2)
No classification provided. Condition: TSC. Review status: no classification provided. Criteria: Tuberous Sclerosis Database Assertion Criteria 2015. Collection method: curation. Allele origin: germline. Affected: yes. Not counted in ClinVar's aggregate classification.

Literature cited by the submitters: PubMed 10533066 (cited by Labcorp Genetics (formerly Invitae), Labcorp and Ambry Genetics); PubMed 28968464 (cited by Labcorp Genetics (formerly Invitae), Labcorp and Ambry Genetics); PubMed 10205261 (cited by Labcorp Genetics (formerly Invitae), Labcorp); PubMed 17304050 (cited by Labcorp Genetics (formerly Invitae), Labcorp).